The following is an entry in ClinVar:

NM_018255.4(ELP2):c.390C>G (p.Ile130Met)

Gene: ELP2 (elongator acetyltransferase complex subunit 2; plus strand). Cytogenetic location: 18q12.2.
Variant type: single nucleotide variant.
Coding change: c.390C>G on transcript NM_018255.4 (MANE Select); coding-DNA position 390, C replaced by G.
Protein change: p.Ile130Met; replaces isoleucine 130 with methionine.
Molecular consequence: missense variant. On other transcripts: 5 prime UTR variant (1), non-coding transcript variant (4).
Genome position (GRCh38, 1-based): chr18:36,138,371, C>G. VCF-style: chr18-36138371-C-G. GRCh37 (hg19) VCF-style: chr18-33718334-C-G.
Other names: c.390C>G, p.Ile130Met (NM_001242875.3, NM_001242876.3, NM_001242877.3 and 5 more transcripts); c.-58C>G (NM_001324468.2); short protein forms I130M.
Identifiers: ClinVar variation 2229541 (VCV002229541.2), dbSNP rs374188452, ClinGen allele CA8939587.

ClinVar aggregate classification (germline): Uncertain significance (1 of 4 stars; one submission).

Conditions:
Inborn genetic diseases. Identifiers: MedGen C0950123, MeSH D030342.

Allele frequency attached by ClinVar (database versions not stated): 1000 Genomes Project 30x 0.00016; 1000 Genomes Project 0.00020.
gnomAD v4.1: 40 of 1,614,050 alleles (0.0025%); highest among the groups gnomAD compares: South Asian, 0.022%; no homozygotes.

Submission:

Ambry Genetics
Classification: Uncertain significance for Inborn genetic diseases. Last evaluated: 2021-03-22. Review status: criteria provided, single submitter. Criteria: Ambry Variant Classification Scheme 2023. Collection method: clinical testing. Allele origin: germline.
Comment: The c.390C>G (p.I130M) alteration is located in exon 4 (coding exon 4) of the ELP2 gene. This alteration results from a C to G substitution at nucleotide position 390, causing the isoleucine (I) at amino acid position 130 to be replaced by a methionine (M). The p.I130M alteration is predicted to be tolerated by in silico analysis. Based on insufficient or conflicting evidence, the clinical significance of this alteration remains unclear.